The following is an entry in ClinVar:

ClinVar aggregate classification (germline): Uncertain significance (1 of 4 stars; one submission).

Conditions:
Neuromuscular disease caused by qualitative or quantitative defects of dysferlin. Also called: Dysferlinopathy; Qualitative or quantitative defects of dysferlin. Identifiers: Orphanet 207073, MedGen C2931687, MONDO:0016145.

Allele frequency attached by ClinVar (database versions not stated): gnomAD exomes below 0.00001.
gnomAD v4.1: 2 of 1,614,216 alleles (0.00012%); highest among the groups gnomAD compares: Non-Finnish European, 0.00017%; no homozygotes.

Submission:

Labcorp Genetics (formerly Invitae), Labcorp
Classification: Uncertain significance for Neuromuscular disease caused by qualitative or quantitative defects of dysferlin. Last evaluated: 2021-05-30. Review status: criteria provided, single submitter. Criteria: Invitae Variant Classification Sherloc (09022015). Collection method: clinical testing. Allele origin: germline.
Comment: In summary, the available evidence is currently insufficient to determine the role of this variant in disease. Therefore, it has been classified as a Variant of Uncertain Significance. Advanced modeling of protein sequence and biophysical properties (such as structural, functional, and spatial information, amino acid conservation, physicochemical variation, residue mobility, and thermodynamic stability) performed at Invitae indicates that this missense variant is not expected to disrupt DYSF protein function. This variant has not been reported in the literature in individuals with DYSF-related conditions. This variant is not present in population databases (ExAC no frequency). This sequence change replaces threonine with isoleucine at codon 185 of the DYSF protein (p.Thr185Ile). The threonine residue is moderately conserved and there is a moderate physicochemical difference between threonine and isoleucine.

NM_001130987.2(DYSF):c.650C>T (p.Thr217Ile)

Gene: DYSF (dysferlin; plus strand). Cytogenetic location: 2p13.2.
Variant type: single nucleotide variant.
Coding change: c.650C>T on transcript NM_001130987.2 (MANE Select); coding-DNA position 650, C replaced by T.
Protein change: p.Thr217Ile; replaces threonine 217 with isoleucine.
Molecular consequence: missense variant.
Genome position (GRCh38, 1-based): chr2:71,513,812, C>T. VCF-style: chr2-71513812-C-T. GRCh37 (hg19) VCF-style: chr2-71740942-C-T.
Other names: c.557C>T, p.Thr186Ile (NM_001130455.2, NM_001130983.2, NM_001130984.2 and 1 more transcripts); c.554C>T, p.Thr185Ile (NM_001130976.2, NM_001130977.2, NM_001130978.2 and 1 more transcripts); c.647C>T, p.Thr216Ile (NM_001130979.2, NM_001130980.2, NM_001130981.2); c.650C>T, p.Thr217Ile (NM_001130982.2, NM_001130985.2); short protein forms T185I, T216I, T186I, T217I.
Identifiers: ClinVar variation 1469528 (VCV001469528.8), dbSNP rs1328959597, ClinGen allele CA347207171.